The following is an entry in ClinVar:

NM_005732.4(RAD50):c.193dup (p.Thr65fs)

Gene: RAD50 (RAD50 double strand break repair protein; plus strand). Cytogenetic location: 5q31.1.
Variant type: Duplication.
Coding change: c.193dup on transcript NM_005732.4 (MANE Select); coding-DNA position 193, one base duplicated (A; older notation c.193dupA).
Protein change: p.Thr65fs; shifts the reading frame from threonine 65.
Molecular consequence: frameshift variant.
Genome position (GRCh38, 1-based): chr5:132,559,347, A duplicated. VCF-style (leftmost placement, unchanged base first): chr5-132559346-T-TA. GRCh37 (hg19) VCF-style: chr5-131895038-T-TA.
Other names: c.193dupA (NM_005732.4); short protein forms T65fs.
Identifiers: ClinVar variation 1074013 (VCV001074013.10), dbSNP rs1750079483, ClinGen allele CA1081649230.

ClinVar aggregate classification (germline): Pathogenic/Likely pathogenic. Review status: criteria provided, multiple submitters, no conflicts (2 of 4 stars). 3 submissions from 3 submitters: Pathogenic (1); Likely pathogenic (2). Last evaluated 2023-11-08.

Conditions:
Hereditary cancer-predisposing syndrome. Also called: Tumor predisposition; Hereditary neoplastic syndrome; Neoplastic Syndromes, Hereditary; Hereditary Cancer Syndrome. Identifiers: Orphanet 140162, MedGen C0027672, MeSH D009386, MONDO:0015356.
Nijmegen breakage syndrome-like disorder (NBSLD). Also called: MICROCEPHALY AND SPONTANEOUS CHROMOSOME INSTABILITY WITHOUT IMMUNODEFICIENCY; NBS-LIKE DISORDER; RAD50 DEFICIENCY. Identifiers: Orphanet 240760, MedGen C2751318, MONDO:0013118, OMIM 613078.

Allele frequency attached by ClinVar (database versions not stated): gnomAD exomes below 0.00001; TOPMed below 0.00001; gnomAD 0.00001.

Submissions (3):

Baylor Genetics
Classification: Likely pathogenic for Nijmegen breakage syndrome-like disorder. Last evaluated: 2023-11-08. Review status: criteria provided, single submitter. Criteria: ACMG Guidelines, 2015. Collection method: clinical testing. Allele origin: unknown.

Labcorp Genetics (formerly Invitae), Labcorp
Classification: Pathogenic for Hereditary cancer-predisposing syndrome. Last evaluated: 2023-10-16. Review status: criteria provided, single submitter. Criteria: Invitae Variant Classification Sherloc (09022015). Collection method: clinical testing. Allele origin: germline.
Comment: This sequence change creates a premature translational stop signal (p.Thr65Asnfs*24) in the RAD50 gene. It is expected to result in an absent or disrupted protein product. Loss-of-function variants in RAD50 are known to be pathogenic (PMID: 19409520). This variant is not present in population databases (gnomAD no frequency). This variant has not been reported in the literature in individuals affected with RAD50-related conditions. ClinVar contains an entry for this variant (Variation ID: 1074013). For these reasons, this variant has been classified as Pathogenic.

Laboratorio de Genetica e Diagnostico Molecular, Hospital Israelita Albert Einstein
Classification: Likely pathogenic for Nijmegen breakage syndrome-like disorder. Last evaluated: 2021-12-15. Review status: criteria provided, single submitter. Criteria: ACMG Guidelines, 2015. Collection method: clinical testing. Allele origin: germline. Affected: yes.
Comment: ACMG classification criteria: PVS1 very strong, PM2 moderate

Literature cited by the submitters: PubMed 19409520 (cited by Labcorp Genetics (formerly Invitae), Labcorp).